The following is an entry in ClinVar:

ClinVar aggregate classification (germline): Pathogenic (1 of 4 stars; one submission).

Conditions:
Distal myopathy with posterior leg and anterior hand involvement. Also called: WILLIAMS DISTAL MYOPATHY. Identifiers: Orphanet 63273, MedGen C3279722, MONDO:0013550, OMIM 614065.
Myofibrillar myopathy 5. Also called: Filaminopathy (type); FILAMINOPATHY, AUTOSOMAL DOMINANT. Identifiers: Orphanet 171445, MedGen C1836050, MONDO:0012289, OMIM 609524.
Hypertrophic cardiomyopathy 26. Also called: Cardiomyopathy, familial hypertrophic, 26. Identifiers: Orphanet 75249, MedGen C4310749, MONDO:0014883, OMIM 617047.

Submission:

Labcorp Genetics (formerly Invitae), Labcorp
Classification: Pathogenic for Distal myopathy with posterior leg and anterior hand involvement; Myofibrillar myopathy 5; Hypertrophic cardiomyopathy 26. Last evaluated: 2022-05-31. Review status: criteria provided, single submitter. Criteria: Invitae Variant Classification Sherloc (09022015). Collection method: clinical testing. Allele origin: germline.
Comment: This sequence change creates a premature translational stop signal (p.Ser1966Trpfs*5) in the FLNC gene. It is expected to result in an absent or disrupted protein product. Loss-of-function variants in FLNC are known to be pathogenic (PMID: 27908349). This variant is not present in population databases (gnomAD no frequency). This variant has not been reported in the literature in individuals affected with FLNC-related conditions. For these reasons, this variant has been classified as Pathogenic.

Literature cited by the submitters: PubMed 27908349.

NM_001458.5(FLNC):c.5889_5896dup (p.Ser1966fs)

Genes: FLNC (filamin C; plus strand), FLNC-AS1 (FLNC antisense RNA 1; minus strand). Cytogenetic location: 7q32.1.
Variant type: Duplication.
Coding change: c.5889_5896dup on transcript NM_001458.5 (MANE Select); coding-DNA positions 5889 to 5896, 8 bases duplicated (GGACGTGT; older notation c.5889_5896dupGGACGTGT).
Protein change: p.Ser1966fs; shifts the reading frame from serine 1966.
Molecular consequence: frameshift variant.
Genome position (GRCh38, 1-based): chr7:128,852,637-128,852,644, GGACGTGT duplicated. VCF-style (leftmost placement, unchanged base first): chr7-128852636-C-CGGACGTGT. GRCh37 (hg19) VCF-style: chr7-128492690-C-CGGACGTGT.
Other names: c.5790_5797dup, p.Ser1933fs (NM_001127487.2); short protein forms S1933fs, S1966fs.
Identifiers: ClinVar variation 1999789 (VCV001999789.4), dbSNP rs2536659191, ClinGen allele CA2580076628.